The following is an entry in ClinVar:

ClinVar aggregate classification (germline): Uncertain significance (1 of 4 stars; one submission).

Submission:

Broad Center for Mendelian Genomics, Broad Institute of MIT and Harvard
Classification: Uncertain significance. Last evaluated: 2019-02-07. Review status: criteria provided, single submitter. Criteria: ACMG Guidelines, 2015. Collection method: research. Allele origin: de novo. Inheritance: Autosomal dominant inheritance. Affected: yes.
Comment: The p.Tyr284His variant in KMT2E has not been previously reported in individuals with intellectual disabilities, developmental delay, or epilepsy and was absent from large population studies. Computational prediction tools and conservation analyses suggest that this variant may impact the protein, though this information is not predictive enough to determine pathogenicity. In summary, the clinical significance of the p.Tyr284His variant is uncertain.

NM_182931.3(KMT2E):c.850T>C (p.Tyr284His)

Gene: KMT2E (lysine methyltransferase 2E (inactive); plus strand). Cytogenetic location: 7q22.3.
Variant type: single nucleotide variant.
Coding change: c.850T>C on transcript NM_182931.3 (MANE Select); coding-DNA position 850, T replaced by C.
Protein change: p.Tyr284His; replaces tyrosine 284 with histidine.
Molecular consequence: missense variant.
Genome position (GRCh38, 1-based): chr7:105,077,044, T>C. VCF-style: chr7-105077044-T-C. GRCh37 (hg19) VCF-style: chr7-104717491-T-C.
Other names: pTyr284His; c.850T>C, p.Tyr284His (NM_018682.4); short protein forms Y284H.
Identifiers: ClinVar variation 805915 (VCV000805915.2), dbSNP rs868001076, ClinGen allele CA163989891.
Genomic context (GRCh38, chr7:105,077,044, plus strand): 5'-CCTTCATCTGATGGTTCAAATTTTGGATGGGAGACAAAGATCAAAGCATGGATGGATCGA[T>C]ATGAAGAAGCAAATAACAACCAGTACAGTGAGGGTGTTCAGAGGGAGGCACAAAGAATAG-3'
Protein context (NP_891847.1, residues 274-294): ETKIKAWMDR[Tyr284His]EEANNNQYSE